The following is an entry in ClinVar:

ClinVar aggregate classification (germline): Likely benign. Review status: criteria provided, single submitter (1 of 4 stars). 2 submissions from 2 submitters: Likely benign (1). 1 of the submissions does not count toward it. Last evaluated 2025-11-25.

Conditions:
DSTYK-related disorder. Also called: DSTYK-related condition.

Allele frequency attached by ClinVar (database versions not stated): gnomAD exomes 0.00015 and 0.00028; ExAC 0.00035; ESP Exome Variant Server 0.00115; TOPMed 0.00129; gnomAD 0.00148 and 0.00161; 1000 Genomes Project 30x 0.00219; 1000 Genomes Project 0.00260.
gnomAD v4.1: 469 of 1,614,106 alleles (0.029%); highest among the groups gnomAD compares: African/African-American, 0.55%; 2 homozygotes.

Submissions (2):

Labcorp Genetics (formerly Invitae), Labcorp
Classification: Likely benign. Last evaluated: 2025-11-25. Review status: criteria provided, single submitter. Criteria: Invitae Variant Classification Sherloc (09022015). Collection method: clinical testing. Allele origin: germline.

PreventionGenetics, part of Exact Sciences
Classification: Likely benign for DSTYK-related condition. Last evaluated: 2022-04-18. Review status: no assertion criteria provided. Collection method: clinical testing. Allele origin: germline. Not counted in ClinVar's aggregate classification.
Comment: This variant is classified as likely benign based on ACMG/AMP sequence variant interpretation guidelines (Richards et al. 2015 PMID: 25741868, with internal and published modifications).

NM_015375.3(DSTYK):c.983A>C (p.Lys328Thr)

Gene: DSTYK (dual serine/threonine and tyrosine protein kinase; minus strand). Cytogenetic location: 1q32.1.
Variant type: single nucleotide variant.
Coding change: c.983A>C on transcript NM_015375.3 (MANE Select); coding-DNA position 983, A replaced by C.
Protein change: p.Lys328Thr; replaces lysine 328 with threonine.
Molecular consequence: missense variant.
Genome position (GRCh38, 1-based): chr1:205,169,504, T>G on the plus strand (A>C on the coding strand, the complement: DSTYK is on the minus strand). VCF-style: chr1-205169504-T-G. GRCh37 (hg19) VCF-style: chr1-205138632-T-G.
Other names: c.983A>C, p.Lys328Thr (NM_199462.3); c.983A>C (NM_015375.2); short protein forms K328T.
Identifiers: ClinVar variation 1573434 (VCV001573434.10), dbSNP rs145485055, ClinGen allele CA1352926.